The following is an entry in ClinVar:

ClinVar aggregate classification (germline): Uncertain significance. Review status: criteria provided, multiple submitters, no conflicts (2 of 4 stars). 2 submissions from 2 submitters: Uncertain significance (2). Last evaluated 2023-07-11.

Conditions:
Autosomal recessive limb-girdle muscular dystrophy type 2D (LGMDR3). Also called: DUCHENNE-LIKE AUTOSOMAL RECESSIVE MUSCULAR DYSTROPHY, TYPE 2; ADHALINOPATHY, PRIMARY; MUSCULAR DYSTROPHY, LIMB-GIRDLE, AUTOSOMAL RECESSIVE 3. Identifiers: Orphanet 62, MedGen C2936332, MONDO:0011968, OMIM 608099. Disease mechanism: Affects gamma-sarcoglycan and also disrupts the integrity of the entire sarcoglycan complex..

Submissions (2):

Revvity Omics, Revvity
Classification: Uncertain significance for Autosomal recessive limb-girdle muscular dystrophy type 2D. Last evaluated: 2023-07-11. Review status: criteria provided, single submitter. Criteria: ACMG Guidelines, 2015. Collection method: clinical testing. Allele origin: germline.

Labcorp Genetics (formerly Invitae), Labcorp
Classification: Uncertain significance for Autosomal recessive limb-girdle muscular dystrophy type 2D. Last evaluated: 2022-01-18. Review status: criteria provided, single submitter. Criteria: Invitae Variant Classification Sherloc (09022015). Collection method: clinical testing. Allele origin: germline.
Comment: In summary, the available evidence is currently insufficient to determine the role of this variant in disease. Therefore, it has been classified as a Variant of Uncertain Significance. Advanced modeling of protein sequence and biophysical properties (such as structural, functional, and spatial information, amino acid conservation, physicochemical variation, residue mobility, and thermodynamic stability) performed at Invitae indicates that this missense variant is expected to disrupt SGCA protein function. This variant has not been reported in the literature in individuals affected with SGCA-related conditions. This variant is not present in population databases (gnomAD no frequency). This sequence change replaces alanine, which is neutral and non-polar, with threonine, which is neutral and polar, at codon 107 of the SGCA protein (p.Ala107Thr).

NM_000023.4(SGCA):c.319G>A (p.Ala107Thr)

Gene: SGCA (sarcoglycan alpha; plus strand). Cytogenetic location: 17q21.33.
Variant type: single nucleotide variant.
Coding change: c.319G>A on transcript NM_000023.4 (MANE Select); coding-DNA position 319, G replaced by A.
Protein change: p.Ala107Thr; replaces alanine 107 with threonine.
Molecular consequence: missense variant. On other transcripts: non-coding transcript variant (1).
Genome position (GRCh38, 1-based): chr17:50,167,953, G>A. VCF-style: chr17-50167953-G-A. GRCh37 (hg19) VCF-style: chr17-48245314-G-A.
Other names: c.319G>A, p.Ala107Thr (NM_001135697.3); short protein forms A107T.
Identifiers: ClinVar variation 2058671 (VCV002058671.6), dbSNP rs2509120203, ClinGen allele CA400178283.